The following is an entry in ClinVar:

ClinVar aggregate classification (germline): Pathogenic (1 of 4 stars; one submission).

Conditions:
Autosomal dominant hypocalcemia 1 (HYPOC1). Also called: HYPOCALCEMIA, FAMILIAL. Identifiers: MedGen C3715128, MONDO:0011013, OMIM 601198.
Familial hypocalciuric hypercalcemia (FHH). Also called: Familial benign hypercalcemia. Identifiers: Orphanet 405, MedGen C1809471, MONDO:0018458.

Submission:

Labcorp Genetics (formerly Invitae), Labcorp
Classification: Pathogenic for Familial hypocalciuric hypercalcemia; Autosomal dominant hypocalcemia 1. Last evaluated: 2025-03-14. Review status: criteria provided, single submitter. Criteria: Invitae Variant Classification Sherloc (09022015). Collection method: clinical testing. Allele origin: germline.
Comment: This sequence change creates a premature translational stop signal (p.Thr560Profs*67) in the CASR gene. While this is not anticipated to result in nonsense mediated decay, it is expected to disrupt the last 519 amino acid(s) of the CASR protein. This variant is not present in population databases (gnomAD no frequency). This variant has not been reported in the literature in individuals affected with CASR-related conditions. This variant disrupts a region of the CASR protein in which other variant(s) (p.Arg886Pro) have been determined to be pathogenic (PMID: 11807402). This suggests that this is a clinically significant region of the protein, and that variants that disrupt it are likely to be disease-causing. For these reasons, this variant has been classified as Pathogenic.

Literature cited by the submitters: PubMed 11807402.

NM_000388.4(CASR):c.1677del (p.Thr560fs)

Gene: CASR (calcium sensing receptor; plus strand). Cytogenetic location: 3q21.1.
Variant type: Deletion.
Coding change: c.1677del on transcript NM_000388.4 (MANE Select); coding-DNA position 1677, one base deleted (C; older notation c.1677delC).
Protein change: p.Thr560fs; shifts the reading frame from threonine 560.
Molecular consequence: frameshift variant.
Genome position (GRCh38, 1-based): chr3:122,282,181, C deleted; the last of 3 consecutive C bases (chr3:122,282,179-122,282,181); deleting any one gives the same sequence. VCF-style (leftmost placement, unchanged base first): chr3-122282178-GC-G. GRCh37 (hg19) VCF-style: chr3-122001025-GC-G.
Other names: c.1707del, p.Thr570fs (NM_001178065.2); short protein forms T570fs, T560fs.
Identifiers: ClinVar variation 4784436 (VCV004784436.1).
Genomic context (GRCh38, chr3:122,282,178, plus strand): 5'-CTTCTCCAACTGCAGCCGAGACTGCCTGGCAGGGACCAGGAAAGGGATCATTGAGGGGGA[GC>G]CCACCTGCTGCTTTGAGTGTGTGGAGTGTCCTGATGGGGAGTATAGTGATGAGACAGGTA-3'